The following is an entry in ClinVar:

NM_017807.4(OSGEP):c.450_497dup (p.Arg166_Val167insGluThrIleAspIleAlaValGlyAsnCysLeuAspArgPheAlaArg)

Gene: OSGEP (O-sialoglycoprotein endopeptidase; minus strand). Cytogenetic location: 14q11.2.
Variant type: Duplication.
Coding change: c.450_497dup on transcript NM_017807.4 (MANE Select); coding-DNA positions 450 to 497, 48 bases duplicated.
Protein change: p.Arg166_Val167insGluThrIleAspIleAlaValGlyAsnCysLeuAspArgPheAlaArg.
Molecular consequence: inframe insertion.
Genome position (GRCh38, 1-based): chr14:20,449,181-20,449,228, 48 bases duplicated; duplicating any 48 consecutive bases within chr14:20,449,181-20,449,229 gives the same sequence; the c. name uses the placement nearest the transcript's 3' end. GRCh37 (hg19): chr14:20,917,341-20,917,388.
Identifiers: ClinVar variation 2614536 (VCV002614536.2), dbSNP rs1164023250, ClinGen allele CA612423347.

ClinVar aggregate classification (germline): Uncertain significance (1 of 4 stars; one submission).

Conditions:
Inborn genetic diseases. Identifiers: MedGen C0950123, MeSH D030342.

Submission:

Ambry Genetics
Classification: Uncertain significance for Inborn genetic diseases. Last evaluated: 2023-08-03. Review status: criteria provided, single submitter. Criteria: Ambry Variant Classification Scheme 2023. Collection method: clinical testing. Allele origin: germline.
Comment: The c.450_497dupGGAAACCATCGATATTGCAGTGGGTAATTGTCTGGATCGTTTTGCTCG (p.E151_R166dup) alteration is located in exon 4 (coding exon 4) of the OSGEP gene. The alteration consists of an in-frame duplication of 48 nucleotides from position 450 to 497, resulting in the duplication of <NA> residues. Based on insufficient or conflicting evidence, the clinical significance of this alteration remains unclear.